The following is an entry in ClinVar:

NM_006231.4(POLE):c.945A>G (p.Glu315=)

Gene: POLE (DNA polymerase epsilon, catalytic subunit; minus strand). Cytogenetic location: 12q24.33.
Variant type: single nucleotide variant.
Coding change: c.945A>G on transcript NM_006231.4 (MANE Select); coding-DNA position 945, A replaced by G.
Protein change: p.Glu315=; no amino-acid change (glutamic acid 315 retained).
Molecular consequence: synonymous variant.
Genome position (GRCh38, 1-based): chr12:132,676,169, T>C on the plus strand (A>G on the coding strand, the complement: POLE is on the minus strand). VCF-style: chr12-132676169-T-C. GRCh37 (hg19) VCF-style: chr12-133252755-T-C.
Identifiers: ClinVar variation 3225513 (VCV003225513.2), dbSNP rs2542167657, ClinGen allele CA482722998.

ClinVar aggregate classification (germline): Benign/Likely benign. Review status: criteria provided, multiple submitters, no conflicts (2 of 4 stars). 2 submissions from 2 submitters: Benign (1); Likely benign (1). Last evaluated 2025-02-07.

Conditions:
Hereditary cancer-predisposing syndrome. Also called: Neoplastic Syndromes, Hereditary; Tumor predisposition; Hereditary neoplastic syndrome; Hereditary Cancer Syndrome. Identifiers: Orphanet 140162, MedGen C0027672, MeSH D009386, MONDO:0015356.
Colorectal cancer, susceptibility to, 12 (CRCS12). Also called: COLORECTAL CANCER, SUSCEPTIBILITY TO, ON CHROMOSOME 12q24. Identifiers: Orphanet 220460, MedGen C3554460, MONDO:0014038, OMIM 615083.

Submissions (2):

Myriad Genetics, Inc.
Classification: Benign for Colorectal cancer, susceptibility to, 12. Last evaluated: 2025-02-07. Review status: criteria provided, single submitter. Criteria: Myriad Autosomal Dominant, Autosomal Recessive and X-Linked Classification Criteria (2023). Collection method: clinical testing. Allele origin: unknown.
Comment: This variant is considered benign. This variant is a silent/synonymous amino acid change and it is not expected to impact splicing.

Ambry Genetics
Classification: Likely benign for Hereditary cancer-predisposing syndrome. Last evaluated: 2024-02-22. Review status: criteria provided, single submitter. Criteria: Ambry Variant Classification Scheme 2023. Collection method: clinical testing. Allele origin: germline.